The following is an entry in ClinVar:

NM_000975.5(RPL11):c.264+3G>A

Gene: RPL11 (ribosomal protein L11; plus strand). Cytogenetic location: 1p36.11.
Variant type: single nucleotide variant.
Coding change: c.264+3G>A on transcript NM_000975.5 (MANE Select); 3 bases into the intron after coding-DNA position 264, G replaced by A.
Molecular consequence: intron variant.
Genome position (GRCh38, 1-based): chr1:23,693,916, G>A. VCF-style: chr1-23693916-G-A. GRCh37 (hg19) VCF-style: chr1-24020406-G-A.
Other names: c.261+3G>A (NM_001199802.1).
Identifiers: ClinVar variation 2435472 (VCV002435472.7), dbSNP rs199514846, ClinGen allele CA684224.

ClinVar aggregate classification (germline): Uncertain significance. Review status: criteria provided, multiple submitters, no conflicts (2 of 4 stars). 3 submissions from 3 submitters: Uncertain significance (3). Last evaluated 2025-08-11.

Conditions:
Diamond-Blackfan anemia. Also called: Blackfan Diamond syndrome; Aregenerative anemia chronic congenital; Red cell aplasia, pure hereditary; Congenital hypoplastic anemia; Aase syndrome. Identifiers: Orphanet 124, MedGen C1260899, MeSH D029503, MONDO:0015253, HP:0004810.
Diamond-Blackfan anemia 7 (DBA7). Also called: RPL11-Related Diamond-Blackfan Anemia. Identifiers: Orphanet 124, MedGen C2675512, MONDO:0012938, OMIM 612562.

Allele frequency attached by ClinVar (database versions not stated): ExAC 0.00002; TOPMed 0.00003; gnomAD 0.00004; gnomAD exomes 0.00005.
gnomAD v4.1: 74 of 1,609,388 alleles (0.0046%); highest among the groups gnomAD compares: Non-Finnish European, 0.0058%; no homozygotes.

Submissions (3):

Labcorp Genetics (formerly Invitae), Labcorp
Classification: Uncertain significance for Diamond-Blackfan anemia. Last evaluated: 2025-08-11. Review status: criteria provided, single submitter. Criteria: Invitae Variant Classification Sherloc (09022015). Collection method: clinical testing. Allele origin: germline.
Comment: This sequence change falls in intron 3 of the RPL11 gene. It does not directly change the encoded amino acid sequence of the RPL11 protein. It affects a nucleotide within the consensus splice site. This variant is present in population databases (rs199514846, gnomAD 0.003%). This variant has not been reported in the literature in individuals affected with RPL11-related conditions. ClinVar contains an entry for this variant (Variation ID: 2435472). Variants that disrupt the consensus splice site are a relatively common cause of aberrant splicing (PMID: 17576681, 9536098). Algorithms developed to predict the effect of sequence changes on RNA splicing suggest that this variant is not likely to affect RNA splicing. In summary, the available evidence is currently insufficient to determine the role of this variant in disease. Therefore, it has been classified as a Variant of Uncertain Significance.

Fulgent Genetics
Classification: Uncertain significance for Diamond-Blackfan anemia 7. Last evaluated: 2024-02-14. Review status: criteria provided, single submitter. Criteria: ACMG Guidelines, 2015. Collection method: clinical testing. Allele origin: germline.

Revvity Omics, Revvity
Classification: Uncertain significance for Diamond-Blackfan anemia 7. Last evaluated: 2022-06-24. Review status: criteria provided, single submitter. Criteria: ACMG Guidelines, 2015. Collection method: clinical testing. Allele origin: germline.

Literature cited by the submitters: PubMed 17576681 (cited by Labcorp Genetics (formerly Invitae), Labcorp); PubMed 9536098 (cited by Labcorp Genetics (formerly Invitae), Labcorp).